The following is an entry in ClinVar:

NM_001378454.1(ALMS1):c.8194G>A (p.Val2732Ile)

Gene: ALMS1 (ALMS1 centrosome and basal body associated protein; plus strand). Cytogenetic location: 2p13.1.
Variant type: single nucleotide variant.
Coding change: c.8194G>A on transcript NM_001378454.1 (MANE Select); coding-DNA position 8194, G replaced by A.
Protein change: p.Val2732Ile; replaces valine 2732 with isoleucine.
Molecular consequence: missense variant.
Genome position (GRCh38, 1-based): chr2:73,490,153, G>A. VCF-style: chr2-73490153-G-A. GRCh37 (hg19) VCF-style: chr2-73717280-G-A.
Other names: c.8197G>A, p.Val2733Ile (NM_015120.4); short protein forms V2732I, V2733I.
Identifiers: ClinVar variation 3679189 (VCV003679189.2).

ClinVar aggregate classification (germline): Uncertain significance (1 of 4 stars; one submission).

Conditions:
Alstrom syndrome (ALMS). Identifiers: Orphanet 64, MedGen C0268425, MONDO:0008763, OMIM 203800.

Submission:

Labcorp Genetics (formerly Invitae), Labcorp
Classification: Uncertain significance for Alstrom syndrome. Last evaluated: 2025-07-27. Review status: criteria provided, single submitter. Criteria: Invitae Variant Classification Sherloc (09022015). Collection method: clinical testing. Allele origin: germline.
Comment: This sequence change replaces valine, which is neutral and non-polar, with isoleucine, which is neutral and non-polar, at codon 2733 of the ALMS1 protein (p.Val2733Ile). This variant is not present in population databases (gnomAD no frequency). This variant has not been reported in the literature in individuals affected with ALMS1-related conditions. ClinVar contains an entry for this variant (Variation ID: 3679189). Experimental studies and prediction algorithms are not available or were not evaluated, and the functional significance of this variant is currently unknown. In summary, the available evidence is currently insufficient to determine the role of this variant in disease. Therefore, it has been classified as a Variant of Uncertain Significance.